The following is an entry in ClinVar:

ClinVar aggregate classification (germline): Uncertain significance (1 of 4 stars; one submission).

Allele frequency attached by ClinVar (database versions not stated): gnomAD 0.00001.
gnomAD v4.1: 6 of 1,612,590 alleles (0.00037%); highest among the groups gnomAD compares: East Asian, 0.0045%; no homozygotes.

Submission:

Labcorp Genetics (formerly Invitae), Labcorp
Classification: Uncertain significance. Last evaluated: 2024-04-12. Review status: criteria provided, single submitter. Criteria: Invitae Variant Classification Sherloc (09022015). Collection method: clinical testing. Allele origin: germline.
Comment: This sequence change replaces alanine, which is neutral and non-polar, with valine, which is neutral and non-polar, at codon 365 of the UNC45A protein (p.Ala365Val). This variant is present in population databases (rs187529338, gnomAD 0.02%). This variant has not been reported in the literature in individuals affected with UNC45A-related conditions. ClinVar contains an entry for this variant (Variation ID: 2073889). Advanced modeling of protein sequence and biophysical properties (such as structural, functional, and spatial information, amino acid conservation, physicochemical variation, residue mobility, and thermodynamic stability) performed at Invitae indicates that this missense variant is not expected to disrupt UNC45A protein function with a negative predictive value of 80%. In summary, the available evidence is currently insufficient to determine the role of this variant in disease. Therefore, it has been classified as a Variant of Uncertain Significance.

NM_018671.5(UNC45A):c.1094C>T (p.Ala365Val)

Gene: UNC45A (unc-45 myosin chaperone A; plus strand). Cytogenetic location: 15q26.1.
Variant type: single nucleotide variant.
Coding change: c.1094C>T on transcript NM_018671.5 (MANE Select); coding-DNA position 1094, C replaced by T.
Protein change: p.Ala365Val; replaces alanine 365 with valine.
Molecular consequence: missense variant.
Genome position (GRCh38, 1-based): chr15:90,944,958, C>T. VCF-style: chr15-90944958-C-T. GRCh37 (hg19) VCF-style: chr15-91488188-C-T.
Other names: c.1049C>T, p.Ala350Val (NM_001039675.2, NM_001323621.2); c.1094C>T, p.Ala365Val (NM_001323619.1); c.659C>T, p.Ala220Val (NM_001323620.2); short protein forms A220V, A350V, A365V.
Identifiers: ClinVar variation 2073889 (VCV002073889.3), dbSNP rs187529338, ClinGen allele CA7742781.